The following is an entry in ClinVar:

ClinVar aggregate classification (germline): Uncertain significance (1 of 4 stars; one submission).

gnomAD v4.1: 1 of 1,212,152 alleles (0.000082%); highest among the groups gnomAD compares: Non-Finnish European, 0.00011%; no homozygotes.

Submission:

GeneDx
Classification: Uncertain significance. Last evaluated: 2025-06-11. Review status: criteria provided, single submitter. Criteria: GeneDx Variant Classification Process June 2021. Collection method: clinical testing. Allele origin: germline. Affected: yes.
Comment: Not observed at significant frequency in large population cohorts (gnomAD); In silico analysis supports that this missense variant has a deleterious effect on protein structure/function; Has not been previously published as pathogenic or benign to our knowledge

NM_001123385.2(BCOR):c.3490C>G (p.Arg1164Gly)

Gene: BCOR (BCL6 corepressor; minus strand). Cytogenetic location: Xp11.4.
Variant type: single nucleotide variant.
Coding change: c.3490C>G on transcript NM_001123385.2 (MANE Select); coding-DNA position 3490, C replaced by G.
Protein change: p.Arg1164Gly; replaces arginine 1164 with glycine.
Molecular consequence: missense variant.
Genome position (GRCh38, 1-based): chrX:40,064,348, G>C on the plus strand (C>G on the coding strand, the complement: BCOR is on the minus strand). VCF-style: chrX-40064348-G-C. GRCh37 (hg19) VCF-style: chrX-39923601-G-C.
Other names: c.3490C>G, p.Arg1164Gly (NM_001123383.2, NM_001437510.1, NM_001437511.1 and 2 more transcripts); c.3436C>G, p.Arg1146Gly (NM_001123384.2, NM_001438207.1); short protein forms R1146G, R1164G.
Identifiers: ClinVar variation 4537746 (VCV004537746.1).